The following is an entry in ClinVar:

NM_138694.4(PKHD1):c.6592C>T (p.Gln2198Ter)

Gene: PKHD1 (PKHD1 ciliary IPT domain containing fibrocystin/polyductin; minus strand). Cytogenetic location: 6p12.2.
Variant type: single nucleotide variant.
Coding change: c.6592C>T on transcript NM_138694.4 (MANE Select); coding-DNA position 6592, C replaced by T.
Protein change: p.Gln2198Ter; replaces glutamine 2198 with a stop codon.
Molecular consequence: nonsense.
Genome position (GRCh38, 1-based): chr6:51,909,373, G>A on the plus strand (C>T on the coding strand, the complement: PKHD1 is on the minus strand). VCF-style: chr6-51909373-G-A. GRCh37 (hg19) VCF-style: chr6-51774171-G-A.
Other names: c.6592C>T, p.Gln2198Ter (NM_170724.3); short protein forms Q2198*.
Identifiers: ClinVar variation 2858246 (VCV002858246.4), dbSNP rs1414358425, ClinGen allele CA364434741.
Genomic context (GRCh38, chr6:51,909,373, plus strand): 5'-TCAGATGCTTATGGAAGGCTTGCCCCAAGACTTGAAACTGCACTCCCTTCAACTGGACCT[G>A]GCTGGGCTCTTCTGGGAAGGACTGAACGATCACTCTGGCTCCCATATCCCTGGATCCTAG-3'

ClinVar aggregate classification (germline): Pathogenic/Likely pathogenic. Review status: criteria provided, multiple submitters, no conflicts (2 of 4 stars). 2 submissions from 2 submitters: Pathogenic (1); Likely pathogenic (1). Last evaluated 2023-12-08.

Conditions:
Autosomal recessive polycystic kidney disease (ARPKD). Also called: AR polycystic kidney disease. Identifiers: Orphanet 731, Orphanet 8378, MedGen C0085548, MeSH D017044, MONDO:0009889.
Polycystic kidney disease 4 (PKD4). Also called: POLYCYSTIC KIDNEY AND HEPATIC DISEASE 1; POLYCYSTIC KIDNEY DISEASE, INFANTILE, TYPE I; POLYCYSTIC KIDNEY DISEASE 4 WITH OR WITHOUT POLYCYSTIC LIVER DISEASE; PKD3; Autosomal Recessive Polycystic Kidney Disease – PKHD1. Identifiers: MedGen C4540575, MONDO:0033004, OMIM 263200.

Submissions (2):

Baylor Genetics
Classification: Likely pathogenic for Polycystic kidney disease 4. Last evaluated: 2023-12-08. Review status: criteria provided, single submitter. Criteria: ACMG Guidelines, 2015. Collection method: clinical testing. Allele origin: unknown.

Labcorp Genetics (formerly Invitae), Labcorp
Classification: Pathogenic for Autosomal recessive polycystic kidney disease. Last evaluated: 2023-05-02. Review status: criteria provided, single submitter. Criteria: Invitae Variant Classification Sherloc (09022015). Collection method: clinical testing. Allele origin: germline.
Comment: For these reasons, this variant has been classified as Pathogenic. Algorithms developed to predict the effect of sequence changes on RNA splicing suggest that this variant may disrupt the consensus splice site. This variant has not been reported in the literature in individuals affected with PKHD1-related conditions. This variant is not present in population databases (gnomAD no frequency). This sequence change creates a premature translational stop signal (p.Gln2198*) in the PKHD1 gene. It is expected to result in an absent or disrupted protein product. Loss-of-function variants in PKHD1 are known to be pathogenic (PMID: 19940839).

Literature cited by the submitters: PubMed 19940839 (cited by Labcorp Genetics (formerly Invitae), Labcorp).